The following is an entry in ClinVar:

ClinVar aggregate classification (germline): Pathogenic. Review status: reviewed by expert panel (3 of 4 stars). 9 submissions from 9 submitters: Pathogenic (1). 8 of the submissions do not count toward it. Last evaluated 2023-08-25.

Conditions:
Hereditary cancer-predisposing syndrome. Also called: Neoplastic Syndromes, Hereditary; Tumor predisposition; Hereditary Cancer Syndrome; Hereditary neoplastic syndrome. Identifiers: Orphanet 140162, MedGen C0027672, MeSH D009386, MONDO:0015356.
Hereditary diffuse gastric adenocarcinoma (HDGC). Also called: DIFFUSE GASTRIC AND LOBULAR BREAST CANCER SYNDROME. Identifiers: Orphanet 26106, MedGen C1708349, MONDO:0007648, OMIM 137215.
CDH1-related diffuse gastric and lobular breast cancer syndrome. Also called: CDH1-related diffuse gastric and lobular breast cancer. Identifiers: MedGen CN311521, MONDO:0100488.

Submissions (9):

Clingen Gastric Cancer Variant Curation Expert Panel
Classification: Pathogenic for CDH1-related diffuse gastric and lobular breast cancer syndrome. Last evaluated: 2023-08-25. Review status: reviewed by expert panel. Criteria: ClinGen CDH1 ACMG Specifications V3.1. Collection method: curation. Allele origin: germline. Inheritance: Autosomal dominant inheritance.
Comment: The c.1476_1477delAG p.(Arg492Serfs) variant is predicted to result in a premature stop codon that leads to a truncated or absent protein (PVS1, PM5_Supporting). The variant is absent in the gnomAD cohort (PM2_Supporting). This variant has been reported in at least one family meeting HDGC clinical criteria (PS4_Moderate; PMID: 15235021, 22020549). In summary, this variant meets criteria to be classified as pathogenic based on the ACMG/AMP criteria applied as specified by the CDH1 Variant Curation Expert Panel (Variant Interpretation Guidelines Version 3.1): PVS1, PM2_Supporting, PS4_Moderate, PM5_Supporting.

GeneDx
Classification: Pathogenic. Last evaluated: 2025-10-05. Review status: criteria provided, single submitter. Criteria: GeneDx Variant Classification Process June 2021. Collection method: clinical testing. Allele origin: germline. Affected: yes. Not counted in ClinVar's aggregate classification.
Comment: Frameshift variant predicted to result in protein truncation or nonsense mediated decay in a gene for which loss of function is a known mechanism of disease; Not observed at significant frequency in large population cohorts (gnomAD); This variant is associated with the following publications: (PMID: 15235021, 26182300, 16527687, 37903316, 36436516, 19269290, 22020549, 17545690, 26072394, 20373070, 34949788, 30745422)

Labcorp Genetics (formerly Invitae), Labcorp
Classification: Pathogenic for Hereditary diffuse gastric adenocarcinoma. Last evaluated: 2025-07-09. Review status: criteria provided, single submitter. Criteria: Invitae Variant Classification Sherloc (09022015). Collection method: clinical testing. Allele origin: germline. Not counted in ClinVar's aggregate classification.
Comment: This sequence change creates a premature translational stop signal (p.Arg492Serfs*44) in the CDH1 gene. It is expected to result in an absent or disrupted protein product. Loss-of-function variants in CDH1 are known to be pathogenic (PMID: 15235021, 20373070). This variant is not present in population databases (gnomAD no frequency). This premature translational stop signal has been observed in individuals with gastric cancer (PMID: 15235021, 22020549). ClinVar contains an entry for this variant (Variation ID: 231528). For these reasons, this variant has been classified as Pathogenic.

Myriad Genetics, Inc.
Classification: Pathogenic for Hereditary diffuse gastric adenocarcinoma. Last evaluated: 2023-06-13. Review status: criteria provided, single submitter. Criteria: Myriad Autosomal Dominant, Autosomal Recessive and X-Linked Classification Criteria (2023). Collection method: clinical testing. Allele origin: unknown. Not counted in ClinVar's aggregate classification.
Comment: This variant is considered pathogenic. This variant creates a frameshift predicted to result in premature protein truncation.

Ambry Genetics
Classification: Pathogenic for Hereditary cancer-predisposing syndrome. Last evaluated: 2023-04-17. Review status: criteria provided, single submitter. Criteria: Ambry Variant Classification Scheme 2023. Collection method: clinical testing. Allele origin: germline. Not counted in ClinVar's aggregate classification.
Comment: The c.1476_1477delAG pathogenic mutation, located in coding exon 10 of the CDH1 gene, results from a deletion of two nucleotides at nucleotide positions 1476 to 1477, causing a translational frameshift with a predicted alternate stop codon (p.R492Sfs*44). This alteration has been reported in a family meeting clinical diagnostic criteria for hereditary diffuse gastric cancer (Brooks-Wilson AR et al. J. Med. Genet. 2004 Jul;41(7):508-17). In addition to the clinical data presented in the literature, this alteration is expected to result in loss of function by premature protein truncation or nonsense-mediated mRNA decay. As such, this alteration is interpreted as a disease-causing mutation.

European Reference Network on Genetic Tumour Risk Syndromes (ERN-GENTURIS), i3s - Instituto de Investigação e Inovação em Saúde, University of Porto
Classification: Pathogenic for Hereditary diffuse gastric adenocarcinoma. Last evaluated: 2022-08-01. Review status: criteria provided, single submitter. Criteria: Lee et al. (Hum Mutat. 2018). Collection method: clinical testing. Allele origin: germline. Inheritance: Autosomal dominant inheritance. Affected: yes. Study: ERN GENTURIS. Not counted in ClinVar's aggregate classification.
Comment: PVS1; PS4_Supporting; PM2 (PMID: 30311375)

Color Diagnostics, LLC DBA Color Health
Classification: Pathogenic for Hereditary cancer-predisposing syndrome. Last evaluated: 2021-12-15. Review status: criteria provided, single submitter. Criteria: ACMG Guidelines, 2015. Collection method: clinical testing. Allele origin: germline. Not counted in ClinVar's aggregate classification.
Comment: This variant deletes 2 nucleotides in exon 10 of the CDH1 gene, creating a frameshift and premature translation stop signal. This variant is expected to result in an absent or non-functional protein product. This variant has been reported in individuals affected with diffuse gastric cancer (PMID: 15235021, 22020549). This variant has not been identified in the general population by the Genome Aggregation Database (gnomAD). Loss of CDH1 function is a known mechanism of disease. Based on the available evidence, this variant is classified as Pathogenic.

Quest Diagnostics Nichols Institute San Juan Capistrano
Classification: Pathogenic. Last evaluated: 2019-05-09. Review status: criteria provided, single submitter. Criteria: Quest Diagnostics criteria. Collection method: clinical testing. Allele origin: germline. Not counted in ClinVar's aggregate classification.
Comment: The variant results in a shift of the reading frame, and is therefore predicted to result in the loss of a functional protein. Found in at least one symptomatic patient, and not found in general population data.

Juno Genomics, Hangzhou Juno Genomics, Inc
Classification: Pathogenic for Hereditary diffuse gastric adenocarcinoma. Review status: criteria provided, single submitter. Criteria: ACMG Guidelines, 2015. Collection method: clinical testing. Allele origin: germline. Not counted in ClinVar's aggregate classification.
Comment: Absent from controls (or at extremely low frequency if recessive) in Genome Aggregation Database.;Null variant in a gene where loss of function (LOF) is a known mechanism of disease.;The prevalence of the variant in affected individuals is significantly increased compared to the prevalence in controls.;Novel missense change at an amino acid residue where a different missense change determined to be pathogenic has been seen before.

Literature cited by the submitters: PubMed 22020549 (cited by 4 submitters); PubMed 15235021 (cited by 4 submitters); PubMed 20373070 (cited by Labcorp Genetics (formerly Invitae), Labcorp); PubMed 36436516 (cited by European Reference Network on Genetic Tumour Risk Syndromes (ERN-GENTURIS), i3s - Instituto de Investigação e Inovação em Saúde, University of Porto); PubMed 26072394 (cited by European Reference Network on Genetic Tumour Risk Syndromes (ERN-GENTURIS), i3s - Instituto de Investigação e Inovação em Saúde, University of Porto).

NM_004360.5(CDH1):c.1476_1477del (p.Arg492fs)

Gene: CDH1 (cadherin 1; plus strand). Cytogenetic location: 16q22.1.
Variant type: Microsatellite.
Coding change: c.1476_1477del on transcript NM_004360.5 (MANE Select); coding-DNA positions 1476 to 1477, 2 bases deleted (AG; older notation c.1476_1477delAG).
Protein change: p.Arg492fs; shifts the reading frame from arginine 492.
Molecular consequence: frameshift variant. On other transcripts: 5 prime UTR variant (2).
Genome position (GRCh38, 1-based): chr16:68,815,670-68,815,671, AG deleted; deleting any 2 consecutive bases within chr16:68,815,666-68,815,671 gives the same sequence; the c. name uses the placement nearest the transcript's 3' end. VCF-style (leftmost placement, unchanged base first): chr16-68815665-AAG-A. GRCh37 (hg19) VCF-style: chr16-68849568-AAG-A.
Other names: c.1293_1294del, p.Arg431fs (NM_001317184.2); c.-77AG[2] (NM_001317185.2); c.-348AG[2] (NM_001317186.2); c.1476_1477del (NM_004360.3); short protein forms R492fs, R431fs.
Identifiers: ClinVar variation 231528 (VCV000231528.36), dbSNP rs876659208, ClinGen allele CA10580116.